The following is an entry in ClinVar:

ClinVar aggregate classification (germline): Pathogenic/Likely pathogenic. Review status: criteria provided, multiple submitters, no conflicts (2 of 4 stars). 2 submissions from 2 submitters: Pathogenic (1); Likely pathogenic (1). Last evaluated 2024-04-11.

Conditions:
Bardet-Biedl syndrome (BBS). Identifiers: Orphanet 110, MedGen C0752166, MONDO:0015229.
Bardet-Biedl syndrome 10 (BBS10). Identifiers: Orphanet 110, MedGen C1859568, MONDO:0014438, OMIM 615987.

Submissions (2):

Fulgent Genetics
Classification: Likely pathogenic for Bardet-Biedl syndrome 10. Last evaluated: 2024-04-11. Review status: criteria provided, single submitter. Criteria: ACMG Guidelines, 2015. Collection method: clinical testing. Allele origin: germline.

Labcorp Genetics (formerly Invitae), Labcorp
Classification: Pathogenic for Bardet-Biedl syndrome. Last evaluated: 2023-07-19. Review status: criteria provided, single submitter. Criteria: Invitae Variant Classification Sherloc (09022015). Collection method: clinical testing. Allele origin: germline.
Comment: This sequence change creates a premature translational stop signal (p.Met631Asnfs*3) in the BBS10 gene. While this is not anticipated to result in nonsense mediated decay, it is expected to disrupt the last 93 amino acid(s) of the BBS10 protein. This variant is not present in population databases (gnomAD no frequency). This premature translational stop signal has been observed in individual(s) with Bardet-Biedl syndrome (PMID: 26355662). This variant disrupts a region of the BBS10 protein in which other variant(s) (p.Val707*) have been determined to be pathogenic (PMID: 20472660, 22773737, 25982971, 27486776). This suggests that this is a clinically significant region of the protein, and that variants that disrupt it are likely to be disease-causing. For these reasons, this variant has been classified as Pathogenic.

Literature cited by the submitters: PubMed 26355662 (cited by Labcorp Genetics (formerly Invitae), Labcorp); PubMed 20472660 (cited by Labcorp Genetics (formerly Invitae), Labcorp); PubMed 22773737 (cited by Labcorp Genetics (formerly Invitae), Labcorp); PubMed 25982971 (cited by Labcorp Genetics (formerly Invitae), Labcorp); PubMed 27486776 (cited by Labcorp Genetics (formerly Invitae), Labcorp).

NM_024685.4(BBS10):c.1892_1896del (p.Met631fs)

Gene: BBS10 (Bardet-Biedl syndrome 10; minus strand). Cytogenetic location: 12q21.2.
Variant type: Deletion.
Coding change: c.1892_1896del on transcript NM_024685.4 (MANE Select); coding-DNA positions 1892 to 1896, 5 bases deleted (TGATA; older notation c.1892_1896delTGATA).
Protein change: p.Met631fs; shifts the reading frame from methionine 631.
Molecular consequence: frameshift variant.
Genome position (GRCh38, 1-based): chr12:76,346,089-76,346,093, TATCA deleted on the plus strand (TGATA on the coding strand, the reverse complement: BBS10 is on the minus strand); deleting any 5 consecutive bases within chr12:76,346,089-76,346,095 gives the same sequence; the c. name uses the placement nearest the transcript's 3' end. VCF-style (leftmost placement, unchanged base first): chr12-76346088-TTATCA-T. GRCh37 (hg19) VCF-style: chr12-76739868-TTATCA-T.
Other names: short protein forms M631fs.
Identifiers: ClinVar variation 2735913 (VCV002735913.4), dbSNP rs1266814704, ClinGen allele CA691952349.